The following is an entry in ClinVar:

ClinVar aggregate classification (germline): Likely benign (1 of 4 stars; one submission).

Conditions:
ABCC6-related disorder. Also called: ABCC6-related condition.

gnomAD v4.1: 304 of 1,610,840 alleles (0.019%); highest among the groups gnomAD compares: Middle Eastern, 0.088%; no homozygotes.

Submission:

PreventionGenetics, part of Exact Sciences
Classification: Likely benign for ABCC6-related condition. Last evaluated: 2024-10-16. Review status: criteria provided, single submitter. Criteria: ACMG Guidelines, 2015. Collection method: clinical testing. Allele origin: germline.
Comment: This variant is classified as likely benign based on ACMG/AMP sequence variant interpretation guidelines (Richards et al. 2015 PMID: 25741868, with internal and published modifications).

NM_001171.6(ABCC6):c.*34G>A

Gene: ABCC6 (ATP binding cassette subfamily C member 6; minus strand). Cytogenetic location: 16p13.11.
Variant type: single nucleotide variant.
Coding change: c.*34G>A on transcript NM_001171.6 (MANE Select); 34 bases downstream of the stop codon, G replaced by A.
Molecular consequence: 3 prime UTR variant. On other transcripts: non-coding transcript variant (4).
Genome position (GRCh38, 1-based): chr16:16,150,099, C>T on the plus strand (G>A on the coding strand, the complement: ABCC6 is on the minus strand). VCF-style: chr16-16150099-C-T. GRCh37 (hg19) VCF-style: chr16-16243956-C-T.
Other names: c.*34G>A (NM_001351800.1, NM_001440309.1, NM_001440310.1).
Identifiers: ClinVar variation 4984110 (VCV004984110.1).